The following is an entry in ClinVar:

ClinVar aggregate classification (germline): Likely pathogenic (1 of 4 stars; one submission).

Conditions:
Dilated cardiomyopathy 1G (CMD1G). Identifiers: Orphanet 154, MedGen C1858763, MONDO:0011400, OMIM 604145.
Autosomal recessive limb-girdle muscular dystrophy type 2J (LGMDR10). Also called: Limb-girdle muscular dystrophy, type 2J; MUSCULAR DYSTROPHY, LIMB-GIRDLE, AUTOSOMAL RECESSIVE 10. Identifiers: Orphanet 140922, MedGen C1837342, MONDO:0012127, OMIM 608807.

Submission:

Labcorp Genetics (formerly Invitae), Labcorp
Classification: Likely pathogenic for Dilated cardiomyopathy 1G; Autosomal recessive limb-girdle muscular dystrophy type 2J. Last evaluated: 2024-09-29. Review status: criteria provided, single submitter. Criteria: Invitae Variant Classification Sherloc (09022015). Collection method: clinical testing. Allele origin: germline.
Comment: This sequence change creates a premature translational stop signal (p.Val13286Phefs*24) in the TTN gene. While this is not anticipated to result in nonsense mediated decay, it is expected to create a truncated TTN protein. This variant is not present in population databases (gnomAD no frequency). This variant has not been reported in the literature in individuals affected with TTN-related conditions. This variant is located in the I band of TTN (PMID: 25589632). Truncating variants in this region have been reported in individuals affected with autosomal recessive centronuclear myopathy (PMID: 23975875, internal data). Truncating variants in this region have also been identified in individuals affected with autosomal dominant dilated cardiomyopathy and/or cardio-related conditions (PMID: 27869827, 32964742, internal data). In summary, the currently available evidence indicates that the variant is pathogenic, but additional data are needed to prove that conclusively. Therefore, this variant has been classified as Likely Pathogenic.

Literature cited by the submitters: PubMed 25589632; PubMed 23975875; PubMed 27869827; PubMed 32964742.

NM_001267550.2(TTN):c.39852del (p.Val13286fs)

Gene: TTN (titin; minus strand). Cytogenetic location: 2q31.2.
Variant type: Deletion.
Coding change: c.39852del on transcript NM_001267550.2 (MANE Select); coding-DNA position 39852, one base deleted (G; older notation c.39852delG).
Protein change: p.Val13286fs; shifts the reading frame from valine 13286.
Molecular consequence: frameshift variant. On other transcripts: intron variant (3).
Genome position (GRCh38, 1-based): chr2:178,649,860, C deleted on the plus strand (G on the coding strand, the reverse complement: TTN is on the minus strand). VCF-style (leftmost placement, unchanged base first): chr2-178649859-TC-T. GRCh37 (hg19) VCF-style: chr2-179514586-TC-T.
Other names: c.35331del, p.Val11779fs (NM_001256850.1); c.32550del, p.Val10852fs (NM_133378.4); c.13283-7543del (NM_003319.4); c.13859-7543del (NM_133437.4); c.13658-7543del (NM_133432.3); short protein forms V10852fs, V11779fs, V13286fs.
Identifiers: ClinVar variation 3756985 (VCV003756985.2).
Genomic context (GRCh38, chr2:178,649,859, plus strand): 5'-TCATTTTAACATGAGTACCTTTAGGAGGCGGTGCTTCTGGTTTTTTGATGACAGGAACTT[TC>T]TTCTCTGGGATGATCTTCTTGGGCTCTTCAGGCACTTGAATAATAGGAATTTCTTTTAGA-3'